The following is an entry in ClinVar:

ClinVar aggregate classification (germline): Uncertain significance. Review status: criteria provided, multiple submitters, no conflicts (2 of 4 stars). 3 submissions from 3 submitters: Uncertain significance (3). Last evaluated 2024-12-25.

Conditions:
Inborn genetic diseases. Identifiers: MedGen C0950123, MeSH D030342.

Allele frequency attached by ClinVar (database versions not stated): gnomAD 0.00004 and 0.00005; TOPMed 0.00004; ExAC 0.00007; gnomAD exomes 0.00008; 1000 Genomes Project 0.00040; 1000 Genomes Project 30x 0.00047.
gnomAD v4.1: 40 of 1,614,114 alleles (0.0025%); highest among the groups gnomAD compares: Admixed American, 0.027%; no homozygotes.

Submissions (3):

Ambry Genetics
Classification: Uncertain significance for Inborn genetic diseases. Last evaluated: 2024-12-25. Review status: criteria provided, single submitter. Criteria: Ambry Variant Classification Scheme 2023. Collection method: clinical testing. Allele origin: germline.

Labcorp Genetics (formerly Invitae), Labcorp
Classification: Uncertain significance. Last evaluated: 2022-08-23. Review status: criteria provided, single submitter. Criteria: Invitae Variant Classification Sherloc (09022015). Collection method: clinical testing. Allele origin: germline.
Comment: This sequence change replaces proline, which is neutral and non-polar, with threonine, which is neutral and polar, at codon 237 of the PDHX protein (p.Pro237Thr). This variant is present in population databases (rs527753201, gnomAD 0.04%). This variant has not been reported in the literature in individuals affected with PDHX-related conditions. ClinVar contains an entry for this variant (Variation ID: 451143). Algorithms developed to predict the effect of missense changes on protein structure and function (SIFT, PolyPhen-2, Align-GVGD) all suggest that this variant is likely to be tolerated. In summary, the available evidence is currently insufficient to determine the role of this variant in disease. Therefore, it has been classified as a Variant of Uncertain Significance.

GeneDx
Classification: Uncertain significance. Last evaluated: 2017-08-14. Review status: criteria provided, single submitter. Criteria: GeneDx Variant Classification (06012015). Collection method: clinical testing. Allele origin: germline. Affected: yes.
Comment: The P237T variant has not been published as a pathogenic variant, nor has it been reported as a benign variant to our knowledge. The P237T variant is observed in 6/11,572 (0.05%) alleles from individuals of Latino background, in the ExAC dataset (Lek et al., 2016). The P237T variant is a non-conservative amino acid substitution, which is likely to impact secondary protein structure as these residues differ in polarity, charge, size and/or other properties. This substitution occurs at a position that is not conserved. In silico analysis is inconsistent in its predictions as to whether or not the variant is damaging to the protein structure/function. In summary, based on the currently available information, it is unclear whether this variant is a pathogenic variant or a rare benign variant.

NM_003477.3(PDHX):c.709C>A (p.Pro237Thr)

Gene: PDHX (pyruvate dehydrogenase complex component X; plus strand). Cytogenetic location: 11p13.
Variant type: single nucleotide variant.
Coding change: c.709C>A on transcript NM_003477.3 (MANE Select); coding-DNA position 709, C replaced by A.
Protein change: p.Pro237Thr; replaces proline 237 with threonine.
Molecular consequence: missense variant. On other transcripts: intron variant (1).
Genome position (GRCh38, 1-based): chr11:34,966,707, C>A. VCF-style: chr11-34966707-C-A. GRCh37 (hg19) VCF-style: chr11-34988254-C-A.
Other names: c.529C>A, p.Pro177Thr (NM_001135024.2); c.343-17863C>A (NM_001166158.2); short protein forms P237T, P177T.
Identifiers: ClinVar variation 451143 (VCV000451143.11), dbSNP rs527753201, ClinGen allele CA5945971.